The following is an entry in ClinVar:

NM_025074.7(FRAS1):c.7522+1G>T

Gene: FRAS1 (Fraser extracellular matrix complex subunit 1; plus strand). Cytogenetic location: 4q21.21.
Variant type: single nucleotide variant.
Coding change: c.7522+1G>T on transcript NM_025074.7 (MANE Select); the canonical splice donor site of the intron after coding-DNA position 7522, G replaced by T.
Molecular consequence: splice donor variant.
Genome position (GRCh38, 1-based): chr4:78,472,331, G>T. VCF-style: chr4-78472331-G-T. GRCh37 (hg19) VCF-style: chr4-79393485-G-T.
Other names: IVS53DS, G-T, +1.
Identifiers: ClinVar variation 2816 (VCV000002816.11), dbSNP rs730882180, ClinGen allele CA212805.

ClinVar aggregate classification (germline): Pathogenic. Review status: criteria provided, multiple submitters, no conflicts (2 of 4 stars). 4 submissions from 4 submitters: Pathogenic (3). 1 of the submissions does not count toward it. Last evaluated 2025-01-06.

Conditions:
Fraser syndrome 1 (FRASRS1). Also called: CRYPTOPHTHALMOS WITH OTHER MALFORMATIONS. Identifiers: Orphanet 2052, MedGen C4551480, MONDO:0054737, OMIM 219000.

Allele frequency attached by ClinVar (database versions not stated): gnomAD exomes below 0.00001; TOPMed 0.00002.
gnomAD v4.1: 1 of 1,599,326 alleles (0.000063%); highest among the groups gnomAD compares: African/African-American, 0.0013%; no homozygotes.

Submissions (4):

Labcorp Genetics (formerly Invitae), Labcorp
Classification: Pathogenic. Last evaluated: 2025-01-06. Review status: criteria provided, single submitter. Criteria: Invitae Variant Classification Sherloc (09022015). Collection method: clinical testing. Allele origin: germline.
Comment: This sequence change affects a donor splice site in intron 52 of the FRAS1 gene. It is expected to disrupt RNA splicing. Variants that disrupt the donor or acceptor splice site typically lead to a loss of protein function (PMID: 16199547), and loss-of-function variants in FRAS1 are known to be pathogenic (PMID: 12766769, 18671281). The frequency data for this variant in the population databases is considered unreliable, as metrics indicate poor data quality at this position in the gnomAD database. Disruption of this splice site has been observed in individual(s) with Fraser syndrome (PMID: 17163535). It has also been observed to segregate with disease in related individuals. ClinVar contains an entry for this variant (Variation ID: 2816). Studies have shown that disruption of this splice site is associated with inconclusive levels of altered splicing (PMID: 17163535). For these reasons, this variant has been classified as Pathogenic.

Fulgent Genetics
Classification: Pathogenic for Fraser syndrome 1. Last evaluated: 2024-01-14. Review status: criteria provided, single submitter. Criteria: ACMG Guidelines, 2015. Collection method: clinical testing. Allele origin: germline.

Genetic Services Laboratory, University of Chicago
Classification: Pathogenic for Fraser syndrome. Last evaluated: 2016-07-14. Review status: criteria provided, single submitter. Criteria: ACMG Guidelines, 2015. Collection method: clinical testing. Allele origin: germline. Affected: yes.

OMIM
Classification: Pathogenic for FRASER SYNDROME 1. Last evaluated: 2007-02-01. Review status: no assertion criteria provided. Collection method: literature only. Allele origin: germline. Not counted in ClinVar's aggregate classification.

Literature cited by the submitters: PubMed 16199547 (cited by Labcorp Genetics (formerly Invitae), Labcorp); PubMed 12766769 (cited by Labcorp Genetics (formerly Invitae), Labcorp); PubMed 18671281 (cited by Labcorp Genetics (formerly Invitae), Labcorp); PubMed 17163535 (cited by Labcorp Genetics (formerly Invitae), Labcorp and OMIM).